The following is an entry in ClinVar:

NM_001005242.3(PKP2):c.2309T>G (p.Leu770Arg)

Gene: PKP2 (plakophilin 2; minus strand). Cytogenetic location: 12p11.21.
Variant type: single nucleotide variant.
Coding change: c.2309T>G on transcript NM_001005242.3 (MANE Select); coding-DNA position 2309, T replaced by G.
Protein change: p.Leu770Arg; replaces leucine 770 with arginine.
Molecular consequence: missense variant. On other transcripts: intron variant (2).
Genome position (GRCh38, 1-based): chr12:32,796,157, A>C on the plus strand (T>G on the coding strand, the complement: PKP2 is on the minus strand). VCF-style: chr12-32796157-A-C. GRCh37 (hg19) VCF-style: chr12-32949091-A-C.
Other names: c.2144T>G, p.Leu715Arg (NM_001407156.1); c.1982T>G, p.Leu661Arg (NM_001407158.1, NM_001407159.1); c.2441T>G, p.Leu814Arg (NM_004572.4); c.2168-3426T>G (NM_001407155.1); c.1841-3426T>G (NM_001407160.1); short protein forms L661R, L715R, L770R, L814R.
Identifiers: ClinVar variation 4540095 (VCV004540095.1).
Genomic context (GRCh38, chr12:32,796,157, plus strand): 5'-TGAAGGACTTACGCATCGCCTGCACTAATGGCCATAATTTTCTGGATGCCCCCGGTGTTT[A>C]GAAGGTCGCGTGCATTCTGGTAACTGTTTTGGATTATGTTGTTCAATGTGTAACAGGCAG-3'
Protein context (NP_001005242.2, residues 760-780): QNSYQNARDL[Leu770Arg]NTGGIQKIMA

ClinVar aggregate classification (germline): Uncertain significance (1 of 4 stars; one submission).

Submission:

GeneDx
Classification: Uncertain significance. Last evaluated: 2025-06-24. Review status: criteria provided, single submitter. Criteria: GeneDx Variant Classification Process June 2021. Collection method: clinical testing. Allele origin: germline. Affected: yes.
Comment: Not observed at significant frequency in large population cohorts (gnomAD); In silico analysis supports that this missense variant has a deleterious effect on protein structure/function; Has not been previously published as pathogenic or benign to our knowledge